The following is an entry in ClinVar:

ClinVar aggregate classification (germline): Uncertain significance. Review status: criteria provided, multiple submitters, no conflicts (2 of 4 stars). 2 submissions from 2 submitters: Uncertain significance (2). Last evaluated 2025-06-12.

Allele frequency attached by ClinVar (database versions not stated): gnomAD 0.00006; TOPMed 0.00006; ExAC 0.00003.
gnomAD v4.1: 14 of 1,613,680 alleles (0.00087%); highest among the groups gnomAD compares: African/African-American, 0.019%; no homozygotes.

Submissions (2):

Labcorp Genetics (formerly Invitae), Labcorp
Classification: Uncertain significance. Last evaluated: 2025-06-12. Review status: criteria provided, single submitter. Criteria: Invitae Variant Classification Sherloc (09022015). Collection method: clinical testing. Allele origin: germline.
Comment: This sequence change replaces threonine, which is neutral and polar, with proline, which is neutral and non-polar, at codon 1792 of the FBN3 protein (p.Thr1792Pro). This variant is present in population databases (rs146932818, gnomAD 0.02%). This variant has not been reported in the literature in individuals affected with FBN3-related conditions. ClinVar contains an entry for this variant (Variation ID: 2961635). Invitae Evidence Modeling of protein sequence and biophysical properties (such as structural, functional, and spatial information, amino acid conservation, physicochemical variation, residue mobility, and thermodynamic stability) indicates that this missense variant is not expected to disrupt FBN3 protein function with a negative predictive value of 80%. In summary, the available evidence is currently insufficient to determine the role of this variant in disease. Therefore, it has been classified as a Variant of Uncertain Significance.

Ambry Genetics
Classification: Uncertain significance. Last evaluated: 2024-10-09. Review status: criteria provided, single submitter. Criteria: Ambry Variant Classification Scheme 2023. Collection method: clinical testing. Allele origin: germline.

NM_032447.5(FBN3):c.5374A>C (p.Thr1792Pro)

Gene: FBN3 (fibrillin 3; minus strand). Cytogenetic location: 19p13.2.
Variant type: single nucleotide variant.
Coding change: c.5374A>C on transcript NM_032447.5 (MANE Select); coding-DNA position 5374, A replaced by C.
Protein change: p.Thr1792Pro; replaces threonine 1792 with proline.
Molecular consequence: missense variant.
Genome position (GRCh38, 1-based): chr19:8,096,920, T>G on the plus strand (A>C on the coding strand, the complement: FBN3 is on the minus strand). VCF-style: chr19-8096920-T-G. GRCh37 (hg19) VCF-style: chr19-8161804-T-G.
Other names: c.5374A>C (NM_032447.3); c.5374A>C, p.Thr1792Pro (NM_001321431.2); short protein forms T1792P.
Identifiers: ClinVar variation 2961635 (VCV002961635.4), dbSNP rs146932818, ClinGen allele CA9151687.
Genomic context (GRCh38, chr19:8,096,920, plus strand): 5'-CCTCCCAGGGACCCTGCTCACCCACACAAGCCCCGCCTGGCGACAGTTTGTACCCTCGGG[T>G]GCACTTGCAGCGGTAGCTACCGGGGATGTTGATGCAGTCAGCATTCTGCTGGCAGGGACT-3'
Protein context (NP_115823.3, residues 1782-1802): NIPGSYRCKC[Thr1792Pro]RGYKLSPGGA